The following is an entry in ClinVar:

NM_006514.4(SCN10A):c.4449G>T (p.Met1483Ile)

Gene: SCN10A (sodium voltage-gated channel alpha subunit 10; minus strand). Cytogenetic location: 3p22.2.
Variant type: single nucleotide variant.
Coding change: c.4449G>T on transcript NM_006514.4 (MANE Select); coding-DNA position 4449, G replaced by T.
Protein change: p.Met1483Ile; replaces methionine 1483 with isoleucine.
Molecular consequence: missense variant.
Genome position (GRCh38, 1-based): chr3:38,702,047, C>A on the plus strand (G>T on the coding strand, the complement: SCN10A is on the minus strand). VCF-style: chr3-38702047-C-A. GRCh37 (hg19) VCF-style: chr3-38743538-C-A.
Other names: c.4446G>T, p.Met1482Ile (NM_001293306.2); c.4155G>T, p.Met1385Ile (NM_001293307.2); short protein forms M1385I, M1482I, M1483I.
Identifiers: ClinVar variation 3225662 (VCV003225662.1), dbSNP rs2470565594, ClinGen allele CA352146896.
Genomic context (GRCh38, chr3:38,702,047, plus strand): 5'-TTCTTCACTTTGGTCATCAGTCTCCACCATCATGGTGATCATGTTGAGGCAGATGAGGAC[C>A]ATGATGGTGATGTCAAAAGCTTGTCTGGTCACGATGTCAAAGACAAAACCCTGGAACTTG-3'
Protein context (NP_006505.4, residues 1473-1493): VTRQAFDITI[Met1483Ile]VLICLNMITM

ClinVar aggregate classification (germline): Uncertain significance (1 of 4 stars; one submission).

Conditions:
Cardiovascular phenotype. Identifiers: MedGen CN230736.

Submission:

Ambry Genetics
Classification: Uncertain significance for Cardiovascular phenotype. Last evaluated: 2024-01-14. Review status: criteria provided, single submitter. Criteria: Ambry Variant Classification Scheme 2023. Collection method: clinical testing. Allele origin: germline.
Comment: The p.M1483I variant (also known as c.4449G>T), located in coding exon 26 of the SCN10A gene, results from a G to T substitution at nucleotide position 4449. The methionine at codon 1483 is replaced by isoleucine, an amino acid with highly similar properties. This amino acid position is conserved. In addition, this alteration is predicted to be deleterious by in silico analysis. Since supporting evidence is limited at this time, the clinical significance of this alteration remains unclear.